The following is an entry in ClinVar:

NM_015272.5(RPGRIP1L):c.3819T>G (p.Ile1273Met)

Gene: RPGRIP1L (RPGRIP1 like; minus strand). Cytogenetic location: 16q12.2.
Variant type: single nucleotide variant.
Coding change: c.3819T>G on transcript NM_015272.5 (MANE Select); coding-DNA position 3819, T replaced by G.
Protein change: p.Ile1273Met; replaces isoleucine 1273 with methionine.
Molecular consequence: missense variant.
Genome position (GRCh38, 1-based): chr16:53,605,497, A>C on the plus strand (T>G on the coding strand, the complement: RPGRIP1L is on the minus strand). VCF-style: chr16-53605497-A-C. GRCh37 (hg19) VCF-style: chr16-53639409-A-C.
Other names: c.3819T>G (NM_015272.2, NM_015272.4); c.3579T>G, p.Ile1193Met (NM_001127897.4); c.3681T>G, p.Ile1227Met (NM_001308334.3); c.3717T>G, p.Ile1239Met (NM_001330538.2); short protein forms I1227M, I1239M, I1273M, I1193M.
Identifiers: ClinVar variation 1402106 (VCV001402106.9), dbSNP rs1244061656, ClinGen allele CA395921007.

ClinVar aggregate classification (germline): Uncertain significance. Review status: criteria provided, multiple submitters, no conflicts (2 of 4 stars). 4 submissions from 4 submitters: Uncertain significance (4). Last evaluated 2025-10-13.

Conditions:
COACH syndrome 3. Identifiers: MedGen C5436841, MONDO:0030862, OMIM 619113.
Joubert syndrome 7 (JBTS7). Identifiers: Orphanet 220497, MedGen C1969053, MONDO:0012694, OMIM 611560.
Meckel syndrome, type 5 (MKS5). Identifiers: Orphanet 564, MedGen C1969052, MONDO:0012695, OMIM 611561.
Inborn genetic diseases. Identifiers: MedGen C0950123, MeSH D030342.
RPGRIP1L-related disorder. Also called: RPGRIP1L-related condition; RPGRIP1L-related disorders. Identifiers: MedGen CN239416.
Joubert syndrome. Also called: Familial aplasia of the vermis; JOUBERT-BOLTSHAUSER SYNDROME. Identifiers: Orphanet 475, MedGen C5979921, MONDO:0018772.
Meckel-Gruber syndrome. Also called: Dysencephalia splachnocystica; GRUBER SYNDROME; DYSENCEPHALIA SPLANCHNOCYSTICA. Identifiers: Orphanet 564, MedGen C0265215, MONDO:0018921.

Allele frequency attached by ClinVar (database versions not stated): gnomAD 0.00001; gnomAD exomes 0.00001.
gnomAD v4.1: 18 of 1,614,050 alleles (0.0011%); highest among the groups gnomAD compares: Non-Finnish European, 0.0014%; no homozygotes.

Submissions (4):

PreventionGenetics, part of Exact Sciences
Classification: Uncertain significance for RPGRIP1L-related condition. Last evaluated: 2025-10-13. Review status: criteria provided, single submitter. Criteria: ACMG Guidelines, 2015. Collection method: clinical testing. Allele origin: germline.
Comment: The RPGRIP1L c.3819T>G variant is predicted to result in the amino acid substitution p.Ile1273Met. To our knowledge, this variant has not been reported in the literature. This variant is reported in 0.00088% of alleles in individuals of European (Non-Finnish) descent in gnomAD. At this time, the clinical significance of this variant is uncertain due to the absence of conclusive functional and genetic evidence.

Ambry Genetics
Classification: Uncertain significance for Inborn genetic diseases. Last evaluated: 2025-04-04. Review status: criteria provided, single submitter. Criteria: Ambry Variant Classification Scheme 2023. Collection method: clinical testing. Allele origin: germline.

Fulgent Genetics
Classification: Uncertain significance for Joubert syndrome 7; Meckel syndrome, type 5; COACH syndrome 3. Last evaluated: 2024-04-10. Review status: criteria provided, single submitter. Criteria: ACMG Guidelines, 2015. Collection method: clinical testing. Allele origin: germline.

Labcorp Genetics (formerly Invitae), Labcorp
Classification: Uncertain significance for Joubert syndrome; Meckel-Gruber syndrome. Last evaluated: 2023-11-27. Review status: criteria provided, single submitter. Criteria: Invitae Variant Classification Sherloc (09022015). Collection method: clinical testing. Allele origin: germline.
Comment: This sequence change replaces isoleucine, which is neutral and non-polar, with methionine, which is neutral and non-polar, at codon 1273 of the RPGRIP1L protein (p.Ile1273Met). This variant is present in population databases (no rsID available, gnomAD 0.0009%). This variant has not been reported in the literature in individuals affected with RPGRIP1L-related conditions. ClinVar contains an entry for this variant (Variation ID: 1402106). Advanced modeling of protein sequence and biophysical properties (such as structural, functional, and spatial information, amino acid conservation, physicochemical variation, residue mobility, and thermodynamic stability) performed at Invitae indicates that this missense variant is not expected to disrupt RPGRIP1L protein function with a negative predictive value of 80%. In summary, the available evidence is currently insufficient to determine the role of this variant in disease. Therefore, it has been classified as a Variant of Uncertain Significance.